The following is an entry in ClinVar:

NM_000384.3(APOB):c.2671A>G (p.Ile891Val)

Gene: APOB (apolipoprotein B; minus strand). Cytogenetic location: 2p24.1.
Variant type: single nucleotide variant.
Coding change: c.2671A>G on transcript NM_000384.3 (MANE Select); coding-DNA position 2671, A replaced by G.
Protein change: p.Ile891Val; replaces isoleucine 891 with valine.
Molecular consequence: missense variant.
Genome position (GRCh38, 1-based): chr2:21,022,976, T>C on the plus strand (A>G on the coding strand, the complement: APOB is on the minus strand). VCF-style: chr2-21022976-T-C. GRCh37 (hg19) VCF-style: chr2-21245848-T-C.
Other names: short protein forms I891V.
Identifiers: ClinVar variation 4842888 (VCV004842888.1).
Genomic context (GRCh38, chr2:21,022,976, plus strand): 5'-GACCCGACTCGTGGAAGAAGTTGGTGTTCATCTGGACCCCACTCCTAGCGAAGTCCGGAA[T>C]GATGATGCCCATATTTGTCACAAACTCCACAGACACGGAGGGTTTTGCCACCAGTTCAGC-3'
Protein context (NP_000375.3, residues 881-901): VEFVTNMGII[Ile891Val]PDFARSGVQM

ClinVar aggregate classification (germline): Uncertain significance (1 of 4 stars; one submission).

Conditions:
Cardiovascular phenotype. Identifiers: MedGen CN230736.

gnomAD v4.1: 1 of 1,614,202 alleles (0.000062%); highest among the groups gnomAD compares: African/African-American, 0.0013%; no homozygotes.

Submission:

Ambry Genetics
Classification: Uncertain significance for Cardiovascular phenotype. Last evaluated: 2026-01-02. Review status: criteria provided, single submitter. Criteria: Ambry Variant Classification Scheme 2023. Collection method: clinical testing. Allele origin: germline.
Comment: The p.I891V variant (also known as c.2671A>G), located in coding exon 18 of the APOB gene, results from an A to G substitution at nucleotide position 2671. The isoleucine at codon 891 is replaced by valine, an amino acid with highly similar properties. This amino acid position is conserved. In addition, this alteration is predicted to be tolerated by in silico analysis. Based on the available evidence, the clinical significance of this variant remains unclear.